The following is an entry in ClinVar:

ClinVar aggregate classification (germline): Uncertain significance (1 of 4 stars; one submission).

Conditions:
TH-deficient dopa-responsive dystonia. Also called: Tyrosine Hydroxylase-Deficient Dopa-Responsive Dystonia; Segawa syndrome, autosomal recessive; DYT-TH. Identifiers: Orphanet 101150, MedGen C2673535, MONDO:0011551, OMIM 605407.

Submission:

Labcorp Genetics (formerly Invitae), Labcorp
Classification: Uncertain significance for TH-deficient dopa-responsive dystonia. Last evaluated: 2026-01-19. Review status: criteria provided, single submitter. Criteria: Invitae Variant Classification Sherloc (09022015). Collection method: clinical testing. Allele origin: germline.
Comment: This sequence change replaces glutamic acid, which is acidic and polar, with glycine, which is neutral and non-polar, at codon 258 of the TH protein (p.Glu258Gly). This variant is not present in population databases (gnomAD no frequency). This variant has not been reported in the literature in individuals affected with TH-related conditions. Invitae Evidence Modeling of protein sequence and biophysical properties (such as structural, functional, and spatial information, amino acid conservation, physicochemical variation, residue mobility, and thermodynamic stability) has been performed for this missense variant. However, the output from this modeling did not meet the statistical confidence thresholds required to predict the impact of this variant on TH protein function. In summary, the available evidence is currently insufficient to determine the role of this variant in disease. Therefore, it has been classified as a Variant of Uncertain Significance.

NM_000360.4(TH):c.680A>G (p.Glu227Gly)

Gene: TH (tyrosine hydroxylase; minus strand). Cytogenetic location: 11p15.5.
Variant type: single nucleotide variant.
Coding change: c.680A>G on transcript NM_000360.4 (MANE Select); coding-DNA position 680, A replaced by G.
Protein change: p.Glu227Gly; replaces glutamic acid 227 with glycine.
Molecular consequence: missense variant.
Genome position (GRCh38, 1-based): chr11:2,167,450, T>C on the plus strand (A>G on the coding strand, the complement: TH is on the minus strand). VCF-style: chr11-2167450-T-C. GRCh37 (hg19) VCF-style: chr11-2188680-T-C.
Other names: c.692A>G, p.Glu231Gly (NM_001440535.1, NM_001440536.1); c.680A>G, p.Glu227Gly (NM_001440537.1); c.773A>G, p.Glu258Gly (NM_199292.3); c.761A>G, p.Glu254Gly (NM_199293.3); short protein forms E254G, E227G, E231G, E258G.
Identifiers: ClinVar variation 4690944 (VCV004690944.1).